The following is an entry in ClinVar:

NM_013336.4(SEC61A1):c.210C>T (p.Ala70=)

Gene: SEC61A1 (SEC61 translocon subunit alpha 1; plus strand). Cytogenetic location: 3q21.3.
Variant type: single nucleotide variant.
Coding change: c.210C>T on transcript NM_013336.4 (MANE Select); coding-DNA position 210, C replaced by T.
Protein change: p.Ala70=; no amino-acid change (alanine 70 retained).
Molecular consequence: synonymous variant.
Genome position (GRCh38, 1-based): chr3:128,055,741, C>T. VCF-style: chr3-128055741-C-T. GRCh37 (hg19) VCF-style: chr3-127774584-C-T.
Other names: c.228C>T, p.Ala76= (NM_001400328.1); c.51C>T, p.Ala17= (NM_001400329.1).
Identifiers: ClinVar variation 2654108 (VCV002654108.27), dbSNP rs142239205, ClinGen allele CA2598330.
Genomic context (GRCh38, chr3:128,055,741, plus strand): 5'-GTTTGGGATCATGTCTTCAGATTCAGCTGACCCTTTCTATTGGATGAGAGTGATTCTAGC[C>T]TCTAACAGAGGTAGGACTCTGGCTCTGTCTTTTCTCTGTAGAGTGTAGGCTTACCTAGCT-3'
Protein context (NP_037468.1, residues 60-80): DPFYWMRVIL[Ala70=]SNRGTLMELG

ClinVar aggregate classification (germline): Likely benign. Review status: criteria provided, multiple submitters, no conflicts (2 of 4 stars). 2 submissions from 2 submitters: Likely benign (2). Last evaluated 2025-12-17.

Allele frequency attached by ClinVar (database versions not stated): gnomAD exomes 0.00001; ExAC 0.00002; TOPMed 0.00004; gnomAD 0.00005; ESP Exome Variant Server 0.00008.
gnomAD v4.1: 21 of 1,613,036 alleles (0.0013%); highest among the groups gnomAD compares: African/African-American, 0.021%; no homozygotes.

Submissions (2):

Labcorp Genetics (formerly Invitae), Labcorp
Classification: Likely benign. Last evaluated: 2025-12-17. Review status: criteria provided, single submitter. Criteria: Invitae Variant Classification Sherloc (09022015). Collection method: clinical testing. Allele origin: germline.

CeGaT Center for Human Genetics Tuebingen
Classification: Likely benign. Last evaluated: 2023-03-01. Review status: criteria provided, single submitter. Criteria: CeGaT Center For Human Genetics Tuebingen Variant Classification Criteria Version 2. Collection method: clinical testing. Allele origin: germline. Affected: yes. Observed: 1 variant allele.
Comment: SEC61A1: BP4, BP7